The following is an entry in ClinVar:

ClinVar aggregate classification (germline): Uncertain significance. Review status: reviewed by expert panel (3 of 4 stars). 4 submissions from 4 submitters: Uncertain significance (1). 3 of the submissions do not count toward it. Last evaluated 2024-10-29.

Conditions:
Inborn genetic diseases. Identifiers: MedGen C0950123, MeSH D030342.
Hereditary thrombocytopenia and hematologic cancer predisposition syndrome. Identifiers: Orphanet 71290, MedGen CN281654, MONDO:0011071.
Hereditary thrombocytopenia and hematological cancer predisposition syndrome associated with RUNX1. Also called: Familial Platelet Disorder with Propensity to Acute Myelogenous Leukemia; Familial thrombocytopenia with propensity to acute myelogenous leukemia; RUNX1 Familial Platelet Disorder with Associated Myeloid Malignancies; PLATELET DISORDER, ASPIRIN-LIKE. Identifiers: Orphanet 71290, MedGen C1832388, MeSH C563324, MONDO:0100083, OMIM 601399.

Allele frequency attached by ClinVar (database versions not stated): gnomAD exomes below 0.00001.
gnomAD v4.1: 1 of 1,604,976 alleles (0.000062%); highest among the groups gnomAD compares: Non-Finnish European, 0.000085%; no homozygotes.

Submissions (4):

ClinGen Myeloid Malignancy Variant Curation Expert Panel
Classification: Uncertain significance for Hereditary thrombocytopenia and hematologic cancer predisposition syndrome. Last evaluated: 2024-10-29. Review status: reviewed by expert panel. Criteria: ClinGen MyeloMalig ACMG Specifications v2. Collection method: curation. Allele origin: germline. Inheritance: Autosomal dominant inheritance.
Comment: NM_001754.5(RUNX1):c.1054G>A (p.Ala352Thr) is a missense variant which has a REVEL score < 0.50 (0.083) and a SpliceAI score ≤ 0.20 (0.0) (BP4). In summary, the clinical significance of this variant is uncertain. ACMG/AMP criteria applied, as specified by the Myeloid Malignancy Variant Curation Expert Panel for RUNX1: BP4.

Ambry Genetics
Classification: Uncertain significance for Inborn genetic diseases. Last evaluated: 2025-10-09. Review status: criteria provided, single submitter. Criteria: Ambry Variant Classification Scheme 2023. Collection method: clinical testing. Allele origin: germline. Not counted in ClinVar's aggregate classification.
Comment: The p.A352T variant (also known as c.1054G>A), located in coding exon 8 of the RUNX1 gene, results from a G to A substitution at nucleotide position 1054. The alanine at codon 352 is replaced by threonine, an amino acid with similar properties. This amino acid position is conserved. In addition, this alteration is predicted to be tolerated by in silico analysis. Based on the available evidence, the clinical significance of this variant remains unclear.

St. Jude Molecular Pathology, St. Jude Children's Research Hospital
Classification: Uncertain significance for Hereditary thrombocytopenia and hematological cancer predisposition syndrome associated with RUNX1. Last evaluated: 2023-02-21. Review status: criteria provided, single submitter. Criteria: St. Jude Assertion Criteria 2020. Collection method: clinical testing. Allele origin: germline. Not counted in ClinVar's aggregate classification.
Comment: The RUNX1 c.1054G>A (p.Ala352Thr) missense change has a maximum subpopulation frequency of 0.0058% in gnomAD v2.1.1. The in silico tool REVEL predicts a benign effect on protein function, but to our knowledge this prediction has not been confirmed by functional studies. To our knowledge, this variant has not been reported in individuals with familial platelet disorder with associated myeloid malignancy. In summary, the evidence currently available is insufficient to determine the clinical significance of this variant. It has therefore been classified as of uncertain significance.

Labcorp Genetics (formerly Invitae), Labcorp
Classification: Uncertain significance for Hereditary thrombocytopenia and hematological cancer predisposition syndrome associated with RUNX1. Last evaluated: 2021-10-04. Review status: criteria provided, single submitter. Criteria: Invitae Variant Classification Sherloc (09022015). Collection method: clinical testing. Allele origin: germline. Not counted in ClinVar's aggregate classification.
Comment: In summary, the available evidence is currently insufficient to determine the role of this variant in disease. Therefore, it has been classified as a Variant of Uncertain Significance. Algorithms developed to predict the effect of missense changes on protein structure and function are either unavailable or do not agree on the potential impact of this missense change (SIFT: "Tolerated"; PolyPhen-2: "Possibly Damaging"; Align-GVGD: "Class C0"). This variant has not been reported in the literature in individuals affected with RUNX1-related conditions. This variant is not present in population databases (ExAC no frequency). This sequence change replaces alanine with threonine at codon 352 of the RUNX1 protein (p.Ala352Thr). The alanine residue is moderately conserved and there is a small physicochemical difference between alanine and threonine.

NM_001754.5(RUNX1):c.1054G>A (p.Ala352Thr)

Gene: RUNX1 (RUNX family transcription factor 1; minus strand). Cytogenetic location: 21q22.12.
Variant type: single nucleotide variant.
Coding change: c.1054G>A on transcript NM_001754.5 (MANE Select); coding-DNA position 1054, G replaced by A.
Protein change: p.Ala352Thr; replaces alanine 352 with threonine.
Molecular consequence: missense variant.
Genome position (GRCh38, 1-based): chr21:34,792,524, C>T on the plus strand (G>A on the coding strand, the complement: RUNX1 is on the minus strand). VCF-style: chr21-34792524-C-T. GRCh37 (hg19) VCF-style: chr21-36164821-C-T.
Other names: NM_001754.5(RUNX1):c.1054G>A; p.Ala352Thr; c.973G>A, p.Ala325Thr (NM_001001890.3); short protein forms A352T, A325T.
Identifiers: ClinVar variation 532656 (VCV000532656.9), dbSNP rs1397164331, ClinGen allele CA410148319.